The following is an entry in ClinVar:

NM_022552.5(DNMT3A):c.1041G>A (p.Leu347=)

Gene: DNMT3A (DNA methyltransferase 3 alpha; minus strand). Cytogenetic location: 2p23.3.
Variant type: single nucleotide variant.
Coding change: c.1041G>A on transcript NM_022552.5 (MANE Select); coding-DNA position 1041, G replaced by A.
Protein change: p.Leu347=; no amino-acid change (leucine 347 retained).
Molecular consequence: synonymous variant. On other transcripts: non-coding transcript variant (1).
Genome position (GRCh38, 1-based): chr2:25,247,132, C>T on the plus strand (G>A on the coding strand, the complement: DNMT3A is on the minus strand). VCF-style: chr2-25247132-C-T. GRCh37 (hg19) VCF-style: chr2-25470001-C-T.
Other names: c.585G>A, p.Leu195= (NM_001320893.1); c.372G>A, p.Leu124= (NM_001375819.1); c.474G>A, p.Leu158= (NM_153759.3); c.1041G>A, p.Leu347= (NM_175629.2); c.1041G>A (NM_022552.3).
Identifiers: ClinVar variation 3043110 (VCV003043110.3), dbSNP rs571340067, ClinGen allele CA1556179.

ClinVar aggregate classification (germline): Likely benign. Review status: criteria provided, single submitter (1 of 4 stars). 2 submissions from 2 submitters: Likely benign (1). 1 of the submissions does not count toward it. Last evaluated 2024-11-30.

Conditions:
DNMT3A-related disorder. Also called: DNMT3A-related disorders; DNMT3A-related condition.
Inborn genetic diseases. Identifiers: MedGen C0950123, MeSH D030342.

Allele frequency attached by ClinVar (database versions not stated): gnomAD exomes below 0.00001; ExAC 0.00001; TOPMed 0.00005; gnomAD 0.00006; 1000 Genomes Project 30x 0.00016; 1000 Genomes Project 0.00020.
gnomAD v4.1: 15 of 1,614,104 alleles (0.00093%); highest among the groups gnomAD compares: African/African-American, 0.016%; no homozygotes.

Submissions (2):

Ambry Genetics
Classification: Likely benign for Inborn genetic diseases. Last evaluated: 2024-11-30. Review status: criteria provided, single submitter. Criteria: Ambry Variant Classification Scheme 2023. Collection method: clinical testing. Allele origin: germline.

PreventionGenetics, part of Exact Sciences
Classification: Likely benign for DNMT3A-related condition. Last evaluated: 2019-06-24. Review status: no assertion criteria provided. Collection method: clinical testing. Allele origin: germline. Not counted in ClinVar's aggregate classification.
Comment: This variant is classified as likely benign based on ACMG/AMP sequence variant interpretation guidelines (Richards et al. 2015 PMID: 25741868, with internal and published modifications).